The following is an entry in ClinVar:

NM_000264.5(PTCH1):c.4108_4110del (p.Thr1370del)

Gene: PTCH1 (patched 1; minus strand). Cytogenetic location: 9q22.32.
Variant type: Deletion.
Coding change: c.4108_4110del on transcript NM_000264.5 (MANE Select); coding-DNA positions 4108 to 4110, 3 bases deleted (ACT; older notation c.4108_4110delACT).
Protein change: p.Thr1370del; deletes threonine 1370.
Molecular consequence: inframe deletion. On other transcripts: non-coding transcript variant (1).
Genome position (GRCh38, 1-based): chr9:95,447,146-95,447,148, AGT deleted on the plus strand (ACT on the coding strand, the reverse complement: PTCH1 is on the minus strand). VCF-style (leftmost placement, unchanged base first): chr9-95447145-CAGT-C. GRCh37 (hg19) VCF-style: chr9-98209427-CAGT-C.
Other names: c.3910_3912del, p.Thr1304del (NM_001083602.3); c.4105_4107del, p.Thr1369del (NM_001083603.3); c.3655_3657del, p.Thr1219del (NM_001083604.3, NM_001083605.3, NM_001083606.3 and 1 more transcripts); c.3952_3954del, p.Thr1318del (NM_001354918.2); short protein forms T1304del, T1318del, T1370del, T1219del, T1369del.
Identifiers: ClinVar variation 1922190 (VCV001922190.5), dbSNP rs2537998225, ClinGen allele CA2580080711.
Genomic context (GRCh38, chr9:95,447,145, plus strand): 5'-GCCCAGGCCCAGGGACAGGCGGCGGGTGCACGGCGACAGTCACGGAGGCAGAAGCCGTCA[CAGT>C]GGTGATGGGCTGGCAGTAGCCGGGCACGGAGCTGCCCATGGCAGTGGACGCTGGGTTCCG-3'

ClinVar aggregate classification (germline): Uncertain significance (1 of 4 stars; one submission).

Conditions:
Gorlin syndrome. Also called: Basal cell nevus syndrome; Nevoid Basal Cell Carcinoma Syndrome. Identifiers: Orphanet 377, MedGen C0004779, MONDO:0007187.

Submission:

Labcorp Genetics (formerly Invitae), Labcorp
Classification: Uncertain significance for Gorlin syndrome. Last evaluated: 2025-05-04. Review status: criteria provided, single submitter. Criteria: Invitae Variant Classification Sherloc (09022015). Collection method: clinical testing. Allele origin: germline.
Comment: This variant, c.4108_4110del, results in the deletion of 1 amino acid(s) of the PTCH1 protein (p.Thr1370del), but otherwise preserves the integrity of the reading frame. This variant is not present in population databases (gnomAD no frequency). This variant has not been reported in the literature in individuals affected with PTCH1-related conditions. ClinVar contains an entry for this variant (Variation ID: 1922190). Experimental studies and prediction algorithms are not available or were not evaluated, and the functional significance of this variant is currently unknown. In summary, the available evidence is currently insufficient to determine the role of this variant in disease. Therefore, it has been classified as a Variant of Uncertain Significance.